The following is an entry in ClinVar:

ClinVar aggregate classification (germline): Benign (1 of 4 stars; one submission).

Allele frequency attached by ClinVar (database versions not stated): 1000 Genomes Project 30x 0.03560; TOPMed 0.05263; 1000 Genomes Project 0.03514; gnomAD 0.04832.
gnomAD v4.1: 7,951 of 151,894 alleles (5.2%); highest among the groups gnomAD compares: Non-Finnish European, 7.6%; 262 homozygotes.

Submission:

GeneDx
Classification: Benign. Last evaluated: 2018-06-19. Review status: criteria provided, single submitter. Criteria: GeneDx Variant Classification (06012015). Collection method: clinical testing. Allele origin: germline. Affected: yes.
Comment: This variant is considered likely benign or benign based on one or more of the following criteria: it is a conservative change, it occurs at a poorly conserved position in the protein, it is predicted to be benign by multiple in silico algorithms, and/or has population frequency not consistent with disease.

NM_001377.3(DYNC2H1):c.12039+317G>A

Gene: DYNC2H1 (dynein cytoplasmic 2 heavy chain 1; plus strand). Cytogenetic location: 11q22.3.
Variant type: single nucleotide variant.
Coding change: c.12039+317G>A on transcript NM_001377.3 (MANE Select); 317 bases into the intron after coding-DNA position 12039, G replaced by A.
Molecular consequence: intron variant.
Genome position (GRCh38, 1-based): chr11:103,324,307, G>A. VCF-style: chr11-103324307-G-A. GRCh37 (hg19) VCF-style: chr11-103195035-G-A.
Other names: c.12060+317G>A (NM_001080463.2).
Identifiers: ClinVar variation 674032 (VCV000674032.1), dbSNP rs72975677, ClinGen allele CA13562898.